The following is an entry in ClinVar:

NM_004656.4(BAP1):c.1581C>G (p.Ile527Met)

Gene: BAP1 (BRCA1 associated deubiquitinase 1; minus strand). Cytogenetic location: 3p21.1.
Variant type: single nucleotide variant.
Coding change: c.1581C>G on transcript NM_004656.4 (MANE Select); coding-DNA position 1581, C replaced by G.
Protein change: p.Ile527Met; replaces isoleucine 527 with methionine.
Molecular consequence: missense variant.
Genome position (GRCh38, 1-based): chr3:52,403,564, G>C on the plus strand (C>G on the coding strand, the complement: BAP1 is on the minus strand). VCF-style: chr3-52403564-G-C. GRCh37 (hg19) VCF-style: chr3-52437580-G-C.
Other names: c.1527C>G, p.Ile509Met (NM_001410772.1); c.1581C>G (NM_004656.3); short protein forms I509M, I527M.
Identifiers: ClinVar variation 1775705 (VCV001775705.4), dbSNP rs1705042451, ClinGen allele CA353100574.

ClinVar aggregate classification (germline): Uncertain significance. Review status: criteria provided, multiple submitters, no conflicts (2 of 4 stars). 3 submissions from 3 submitters: Uncertain significance (3). Last evaluated 2023-05-19.

Conditions:
Hereditary cancer-predisposing syndrome. Also called: Neoplastic Syndromes, Hereditary; Tumor predisposition; Hereditary Cancer Syndrome; Hereditary neoplastic syndrome. Identifiers: Orphanet 140162, MedGen C0027672, MeSH D009386, MONDO:0015356.
BAP1-related tumor predisposition syndrome (TPDS1). Also called: BAP1 tumor predisposition syndrome; Tumor susceptibility linked to germline BAP1 mutations; COMMON Syndrome; TUMOR PREDISPOSITION SYNDROME 1. Identifiers: Orphanet 289539, MedGen C3280492, MONDO:0013692, OMIM 614327.

Submissions (3):

Baylor Genetics
Classification: Uncertain significance for BAP1-related tumor predisposition syndrome. Last evaluated: 2023-05-19. Review status: criteria provided, single submitter. Criteria: ACMG Guidelines, 2015. Collection method: clinical testing. Allele origin: unknown.

GeneDx
Classification: Uncertain significance. Last evaluated: 2023-04-03. Review status: criteria provided, single submitter. Criteria: GeneDx Variant Classification Process June 2021. Collection method: clinical testing. Allele origin: germline. Affected: yes.
Comment: Not observed at significant frequency in large population cohorts (gnomAD); In silico analysis supports that this missense variant does not alter protein structure/function; Has not been previously published as pathogenic or benign to our knowledge

Ambry Genetics
Classification: Uncertain significance for Hereditary cancer-predisposing syndrome. Last evaluated: 2020-06-01. Review status: criteria provided, single submitter. Criteria: Ambry Variant Classification Scheme 2023. Collection method: clinical testing. Allele origin: germline.
Comment: The p.I527M variant (also known as c.1581C>G), located in coding exon 13 of the BAP1 gene, results from a C to G substitution at nucleotide position 1581. The isoleucine at codon 527 is replaced by methionine, an amino acid with highly similar properties. This amino acid position is not well conserved in available vertebrate species. In addition, this alteration is predicted to be tolerated by in silico analysis. Since supporting evidence is limited at this time, the clinical significance of this alteration remains unclear.